The following is an entry in ClinVar:

NM_001018113.3(FANCB):c.1613C>G (p.Pro538Arg)

Gene: FANCB (FA complementation group B; minus strand). Cytogenetic location: Xp22.2.
Variant type: single nucleotide variant.
Coding change: c.1613C>G on transcript NM_001018113.3 (MANE Select); coding-DNA position 1613, C replaced by G.
Protein change: p.Pro538Arg; replaces proline 538 with arginine.
Molecular consequence: missense variant.
Genome position (GRCh38, 1-based): chrX:14,845,170, G>C on the plus strand (C>G on the coding strand, the complement: FANCB is on the minus strand). VCF-style: chrX-14845170-G-C. GRCh37 (hg19) VCF-style: chrX-14863292-G-C.
Other names: c.1613C>G, p.Pro538Arg (NM_001324162.2, NM_152633.4); short protein forms P538R.
Identifiers: ClinVar variation 1471308 (VCV001471308.5), dbSNP rs2147391147, ClinGen allele CA412440226.

ClinVar aggregate classification (germline): Uncertain significance (1 of 4 stars; one submission).

Conditions:
Fanconi anemia (FA). Also called: Fanconi's anemia. Identifiers: Orphanet 84, MedGen C0015625, MeSH D005199, MONDO:0019391.

Submission:

Labcorp Genetics (formerly Invitae), Labcorp
Classification: Uncertain significance for Fanconi anemia. Last evaluated: 2021-08-28. Review status: criteria provided, single submitter. Criteria: Invitae Variant Classification Sherloc (09022015). Collection method: clinical testing. Allele origin: germline.
Comment: This sequence change replaces proline with arginine at codon 538 of the FANCB protein (p.Pro538Arg). The proline residue is weakly conserved and there is a moderate physicochemical difference between proline and arginine. This variant is not present in population databases (ExAC no frequency). This variant has not been reported in the literature in individuals affected with FANCB-related conditions. Algorithms developed to predict the effect of missense changes on protein structure and function are either unavailable or do not agree on the potential impact of this missense change (SIFT: "Tolerated"; PolyPhen-2: "Possibly Damaging"; Align-GVGD: "Class C0"). In summary, the available evidence is currently insufficient to determine the role of this variant in disease. Therefore, it has been classified as a Variant of Uncertain Significance.